The following is an entry in ClinVar:

NM_003242.6(TGFBR2):c.-66A>G

Gene: TGFBR2 (transforming growth factor beta receptor 2; plus strand). Cytogenetic location: 3p24.1.
Variant type: single nucleotide variant.
Coding change: c.-66A>G on transcript NM_003242.6 (MANE Select); 66 bases upstream of the start codon, A replaced by G.
Molecular consequence: 5 prime UTR variant. On other transcripts: intron variant (2).
Genome position (GRCh38, 1-based): chr3:30,606,818, A>G. VCF-style: chr3-30606818-A-G. GRCh37 (hg19) VCF-style: chr3-30648310-A-G.
Other names: c.-66A>G (NM_001024847.3, NM_001407126.1, NM_001407127.1 and 4 more transcripts); c.-349A>G (NM_001407133.1); c.-227A>G (NM_001407134.1); c.-274A>G (NM_001407135.1); c.-359A>G (NM_001407136.1); c.-12+225A>G (NM_001407129.1, NM_001407132.1).
Identifiers: ClinVar variation 3029301 (VCV003029301.2), dbSNP rs903936503, ClinGen allele CA72289955.
Genomic context (GRCh38, chr3:30,606,818, plus strand): 5'-CACATCTGCGCTGCCGGCCCGGCGCGGGGTCCGGAGAGGGCGCGGCGCGGAGGCGCAGCC[A>G]GGGGTCCGGGAAGGCGCCGTCCGCTGCGCTGGGGGCTCGGTCTATGACGAGCAGCGGGGT-3'

ClinVar aggregate classification (germline): Likely benign (0 of 4 stars; one submission).

Conditions:
TGFBR2-related disorder. Also called: TGFBR2-related condition.

Allele frequency attached by ClinVar (database versions not stated): gnomAD 0.00001; TOPMed 0.00001.

Submission:

PreventionGenetics, part of Exact Sciences
Classification: Likely benign for TGFBR2-related condition. Last evaluated: 2021-08-09. Review status: no assertion criteria provided. Collection method: clinical testing. Allele origin: germline.
Comment: This variant is classified as likely benign based on ACMG/AMP sequence variant interpretation guidelines (Richards et al. 2015 PMID: 25741868, with internal and published modifications).